The following is an entry in ClinVar:

ClinVar aggregate classification (germline): Likely benign (1 of 4 stars; one submission).

gnomAD v4.1: 387 of 1,588,608 alleles (0.024%); highest among the groups gnomAD compares: African/African-American, 0.11%; 21 homozygotes.

Submission:

CeGaT Center for Human Genetics Tuebingen
Classification: Likely benign. Last evaluated: 2025-12-01. Review status: criteria provided, single submitter. Criteria: CeGaT Center For Human Genetics Tuebingen Variant Classification Criteria Version 2. Collection method: clinical testing. Allele origin: germline. Affected: yes. Observed: 1 variant allele.
Comment: AHNAK2: BP4, BP7

NM_138420.4(AHNAK2):c.5526C>T (p.Ile1842=)

Gene: AHNAK2 (AHNAK nucleoprotein 2; minus strand). Cytogenetic location: 14q32.33.
Variant type: single nucleotide variant.
Coding change: c.5526C>T on transcript NM_138420.4 (MANE Select); coding-DNA position 5526, C replaced by T.
Protein change: p.Ile1842=; no amino-acid change (isoleucine 1842 retained).
Molecular consequence: synonymous variant.
Genome position (GRCh38, 1-based): chr14:104,949,925, G>A on the plus strand (C>T on the coding strand, the complement: AHNAK2 is on the minus strand). VCF-style: chr14-104949925-G-A. GRCh37 (hg19) VCF-style: chr14-105416262-G-A.
Other names: c.5226C>T, p.Ile1742= (NM_001350929.2).
Identifiers: ClinVar variation 4681381 (VCV004681381.5).